The following is an entry in ClinVar:

ClinVar aggregate classification (germline): Likely benign (0 of 4 stars; one submission).

Conditions:
NOS1-related disorder. Also called: NOS1-related condition.

Allele frequency attached by ClinVar (database versions not stated): ExAC 0.00011; 1000 Genomes Project 30x 0.00031; 1000 Genomes Project 0.00040; ESP Exome Variant Server 0.00041; gnomAD 0.00044; TOPMed 0.00050.
gnomAD v4.1: 123 of 1,611,774 alleles (0.0076%); highest among the groups gnomAD compares: African/African-American, 0.14%; no homozygotes.

Submission:

PreventionGenetics, part of Exact Sciences
Classification: Likely benign for NOS1-related condition. Last evaluated: 2019-12-03. Review status: no assertion criteria provided. Collection method: clinical testing. Allele origin: germline.
Comment: This variant is classified as likely benign based on ACMG/AMP sequence variant interpretation guidelines (Richards et al. 2015 PMID: 25741868, with internal and published modifications).

NM_000620.5(NOS1):c.987G>A (p.Thr329=)

Gene: NOS1 (nitric oxide synthase 1; minus strand). Cytogenetic location: 12q24.22.
Variant type: single nucleotide variant.
Coding change: c.987G>A on transcript NM_000620.5 (MANE Select); coding-DNA position 987, G replaced by A.
Protein change: p.Thr329=; no amino-acid change (threonine 329 retained).
Molecular consequence: synonymous variant. On other transcripts: 5 prime UTR variant (2).
Genome position (GRCh38, 1-based): chr12:117,288,214, C>T on the plus strand (G>A on the coding strand, the complement: NOS1 is on the minus strand). VCF-style: chr12-117288214-C-T. GRCh37 (hg19) VCF-style: chr12-117726019-C-T.
Other names: c.-22G>A (NM_001204213.2, NM_001204214.2); c.987G>A, p.Thr329= (NM_001204218.2).
Identifiers: ClinVar variation 3048233 (VCV003048233.2), dbSNP rs368611180, ClinGen allele CA6815278.